The following is an entry in ClinVar:

ClinVar aggregate classification (germline): Uncertain significance (1 of 4 stars; one submission).

gnomAD v4.1: 4 of 1,612,516 alleles (0.00025%); highest among the groups gnomAD compares: Non-Finnish European, 0.00025%; no homozygotes.

Submission:

Women's Health and Genetics/Laboratory Corporation of America, LabCorp
Classification: Uncertain significance. Last evaluated: 2025-05-05. Review status: criteria provided, single submitter. Criteria: LabCorp Variant Classification Summary - May 2015. Collection method: clinical testing. Allele origin: germline.
Comment: Variant summary: CACNA1H c.6821G>C (p.Gly2274Ala) results in a non-conservative amino acid change in the encoded protein sequence. Algorithms developed to predict the effect of missense changes on protein structure and function are either unavailable or do not agree on the potential impact of this missense change. The variant allele was found at a frequency of 4e-06 in 247142 control chromosomes. The available data on variant occurrences in the general population are insufficient to allow any conclusion about variant significance. To our knowledge, no occurrence of c.6821G>C in individuals affected with Idiopathic Generalized Epilepsy and no experimental evidence demonstrating its impact on protein function have been reported. No submitters have cited clinical-significance assessments for this variant to ClinVar. Based on the evidence outlined above, the variant was classified as uncertain significance.

NM_021098.3(CACNA1H):c.6821G>C (p.Gly2274Ala)

Gene: CACNA1H (calcium voltage-gated channel subunit alpha1 H; plus strand). Cytogenetic location: 16p13.3.
Variant type: single nucleotide variant.
Coding change: c.6821G>C on transcript NM_021098.3 (MANE Select); coding-DNA position 6821, G replaced by C.
Protein change: p.Gly2274Ala; replaces glycine 2274 with alanine.
Molecular consequence: missense variant.
Genome position (GRCh38, 1-based): chr16:1,220,753, G>C. VCF-style: chr16-1220753-G-C. GRCh37 (hg19) VCF-style: chr16-1270753-G-C.
Other names: c.6803G>C, p.Gly2268Ala (NM_001005407.2); short protein forms G2268A, G2274A.
Identifiers: ClinVar variation 3902531 (VCV003902531.1).